The following is an entry in ClinVar:

ClinVar aggregate classification (germline): Likely benign (1 of 4 stars; one submission).

Allele frequency attached by ClinVar (database versions not stated): gnomAD 0.00142; ESP Exome Variant Server 0.00154; 1000 Genomes Project 30x 0.00156; TOPMed 0.00164; 1000 Genomes Project 0.00180.
gnomAD v4.1: 500 of 1,614,146 alleles (0.031%); highest among the groups gnomAD compares: African/African-American, 0.48%; 3 homozygotes.

Submission:

CeGaT Center for Human Genetics Tuebingen
Classification: Likely benign. Last evaluated: 2023-02-01. Review status: criteria provided, single submitter. Criteria: CeGaT Center For Human Genetics Tuebingen Variant Classification Criteria Version 2. Collection method: clinical testing. Allele origin: germline. Affected: yes. Observed: 1 variant allele.
Comment: DOCK1: BP4, BP7

NM_001290223.2(DOCK1):c.4644C>T (p.Asn1548=)

Gene: DOCK1 (dedicator of cytokinesis 1; plus strand). Cytogenetic location: 10q26.2.
Variant type: single nucleotide variant.
Coding change: c.4644C>T on transcript NM_001290223.2 (MANE Select); coding-DNA position 4644, C replaced by T.
Protein change: p.Asn1548=; no amino-acid change (asparagine 1548 retained).
Molecular consequence: synonymous variant.
Genome position (GRCh38, 1-based): chr10:127,418,493, C>T. VCF-style: chr10-127418493-C-T. GRCh37 (hg19) VCF-style: chr10-129216757-C-T.
Other names: c.4386C>T, p.Asn1462= (NM_001377556.1); c.4374C>T, p.Asn1458= (NM_001377558.1); c.3789C>T, p.Asn1263= (NM_001377560.1); c.4581C>T, p.Asn1527= (NM_001380.5); c.4743C>T, p.Asn1581= (NM_001377543.1); c.4617C>T, p.Asn1539= (NM_001377544.1); c.4524C>T, p.Asn1508= (NM_001377546.1); c.4518C>T, p.Asn1506= (NM_001377547.1); and 4 more.
Identifiers: ClinVar variation 2640961 (VCV002640961.24), dbSNP rs185222787, ClinGen allele CA5743867.